The following is an entry in ClinVar:

NM_147127.5(EVC2):c.3406G>C (p.Gly1136Arg)

Gene: EVC2 (EvC ciliary complex subunit 2; minus strand). Cytogenetic location: 4p16.2.
Variant type: single nucleotide variant.
Coding change: c.3406G>C on transcript NM_147127.5 (MANE Select); coding-DNA position 3406, G replaced by C.
Protein change: p.Gly1136Arg; replaces glycine 1136 with arginine.
Molecular consequence: missense variant.
Genome position (GRCh38, 1-based): chr4:5,568,595, C>G on the plus strand (G>C on the coding strand, the complement: EVC2 is on the minus strand). VCF-style: chr4-5568595-C-G. GRCh37 (hg19) VCF-style: chr4-5570322-C-G.
Other names: c.3166G>C, p.Gly1056Arg (NM_001166136.2); short protein forms G1136R, G1056R.
Identifiers: ClinVar variation 4787808 (VCV004787808.1).

ClinVar aggregate classification (germline): Uncertain significance (1 of 4 stars; one submission).

Conditions:
Ellis-van Creveld syndrome (EVC). Also called: EVC-Related Ellis-van Creveld Syndrome; EVC2-Related Ellis-van Creveld Syndrome; MESOECTODERMAL DYSPLASIA; Chondroectodermal dysplasia. Identifiers: Orphanet 289, MedGen C0013903, MONDO:0009162, OMIM 225500.
Curry-Hall syndrome (WAD). Also called: WEYERS ACRODENTAL DYSOSTOSIS. Identifiers: Orphanet 952, MedGen C0457013, MONDO:0008673, OMIM 193530.

Submission:

Labcorp Genetics (formerly Invitae), Labcorp
Classification: Uncertain significance for Curry-Hall syndrome; Ellis-van Creveld syndrome. Last evaluated: 2025-03-31. Review status: criteria provided, single submitter. Criteria: Invitae Variant Classification Sherloc (09022015). Collection method: clinical testing. Allele origin: germline.
Comment: This sequence change replaces glycine, which is neutral and non-polar, with arginine, which is basic and polar, at codon 1136 of the EVC2 protein (p.Gly1136Arg). The frequency data for this variant in the population databases is considered unreliable, as metrics indicate poor data quality at this position in the gnomAD database. This variant has not been reported in the literature in individuals affected with EVC2-related conditions. An algorithm developed to predict the effect of missense changes on protein structure and function (PolyPhen-2) suggests that this variant is likely to be disruptive. In summary, the available evidence is currently insufficient to determine the role of this variant in disease. Therefore, it has been classified as a Variant of Uncertain Significance.